The following is an entry in ClinVar:

NM_001135146.2(SLC39A8):c.477A>G (p.Pro159=)

Gene: SLC39A8 (solute carrier family 39 member 8; minus strand). Cytogenetic location: 4q24.
Variant type: single nucleotide variant.
Coding change: c.477A>G on transcript NM_001135146.2 (MANE Select); coding-DNA position 477, A replaced by G.
Protein change: p.Pro159=; no amino-acid change (proline 159 retained).
Molecular consequence: synonymous variant.
Genome position (GRCh38, 1-based): chr4:102,307,511, T>C on the plus strand (A>G on the coding strand, the complement: SLC39A8 is on the minus strand). VCF-style: chr4-102307511-T-C. GRCh37 (hg19) VCF-style: chr4-103228668-T-C.
Other names: c.477A>G, p.Pro159= (NM_022154.5, NM_001135147.1); c.276A>G, p.Pro92= (NM_001135148.2).
Identifiers: ClinVar variation 743544 (VCV000743544.8), dbSNP rs138260455, ClinGen allele CA3025650.

ClinVar aggregate classification (germline): Likely benign. Review status: criteria provided, single submitter (1 of 4 stars). 2 submissions from 2 submitters: Likely benign (1). 1 of the submissions does not count toward it. Last evaluated 2025-02-10.

Conditions:
SLC39A8-related disorder. Also called: SLC39A8-related condition.

Allele frequency attached by ClinVar (database versions not stated): gnomAD exomes 0.00001 and 0.00006; ExAC 0.00007; gnomAD 0.00016 and 0.00017; TOPMed 0.00020; 1000 Genomes Project 0.00060; 1000 Genomes Project 30x 0.00078.

Submissions (2):

Labcorp Genetics (formerly Invitae), Labcorp
Classification: Likely benign. Last evaluated: 2025-02-10. Review status: criteria provided, single submitter. Criteria: Invitae Variant Classification Sherloc (09022015). Collection method: clinical testing. Allele origin: germline.

PreventionGenetics, part of Exact Sciences
Classification: Likely benign for SLC39A8-related condition. Last evaluated: 2020-01-24. Review status: no assertion criteria provided. Collection method: clinical testing. Allele origin: germline. Not counted in ClinVar's aggregate classification.
Comment: This variant is classified as likely benign based on ACMG/AMP sequence variant interpretation guidelines (Richards et al. 2015 PMID: 25741868, with internal and published modifications).